The following is an entry in ClinVar:

ClinVar aggregate classification (germline): Pathogenic. Review status: reviewed by expert panel (3 of 4 stars). 7 submissions from 7 submitters: Pathogenic (1). 6 of the submissions do not count toward it. Last evaluated 2016-10-18.

Conditions:
Hereditary cancer-predisposing syndrome. Also called: Neoplastic Syndromes, Hereditary; Hereditary Cancer Syndrome; Tumor predisposition; Hereditary neoplastic syndrome. Identifiers: Orphanet 140162, MedGen C0027672, MeSH D009386, MONDO:0015356.
Hereditary breast ovarian cancer syndrome. Also called: Breast and ovarian cancer; BRCA1- and BRCA2-Associated Hereditary Breast and Ovarian Cancer; Hereditary breast and ovarian cancer syndrome; Hereditary breast and ovarian cancer syndrome (HBOC); Hereditary breast and/or ovarian cancer syndrome; Hereditary breast and ovarian cancer. Identifiers: Orphanet 145, MedGen C0677776, MeSH D061325, MONDO:0003582. Disease mechanism: loss of function.
Breast-ovarian cancer, familial, susceptibility to, 2 (BROVCA2). Also called: BRCA2 Hereditary Breast and Ovarian Cancer. Identifiers: Orphanet 145, MedGen C2675520, MONDO:0012933, OMIM 612555. Disease mechanism: loss of function.
BRCA2-related disorder. Also called: BRCA2-related condition; BRCA2-related disorders. Identifiers: MedGen CN239275.

Submissions (7):

Evidence-based Network for the Interpretation of Germline Mutant Alleles (ENIGMA)
Classification: Pathogenic for Breast-ovarian cancer, familial, susceptibility to, 2. Last evaluated: 2016-10-18. Review status: reviewed by expert panel. Criteria: ENIGMA BRCA1/2 Classification Criteria (2015). Collection method: curation. Allele origin: germline.
Comment: Variant allele predicted to encode a truncated non-functional protein.

Women's Health and Genetics/Laboratory Corporation of America, LabCorp
Classification: Pathogenic for Hereditary breast ovarian cancer syndrome. Last evaluated: 2026-04-14. Review status: criteria provided, single submitter. Criteria: LabCorp Variant Classification Summary - May 2015. Collection method: clinical testing. Allele origin: germline. Not counted in ClinVar's aggregate classification.
Comment: Variant summary: BRCA2 c.9409_9412delACTT (p.Thr3137TyrfsX25) results in a premature termination codon, predicted to cause a truncation of the encoded protein or absence of the protein due to nonsense mediated decay, which are commonly known mechanisms for disease. The variant was absent in 251362 control chromosomes. c.9409_9412delACTT has been observed in individual(s) affected with Hereditary Breast And Ovarian Cancer Syndrome (Oktay_2010). To our knowledge, no experimental evidence demonstrating an impact on protein function has been reported. The following publication have been ascertained in the context of this evaluation (PMID: 19996028). ClinVar contains an entry for this variant (Variation ID: 231532). Based on the evidence outlined above, the variant was classified as pathogenic.

GeneDx
Classification: Pathogenic. Last evaluated: 2024-02-15. Review status: criteria provided, single submitter. Criteria: GeneDx Variant Classification Process June 2021. Collection method: clinical testing. Allele origin: germline. Affected: yes. Not counted in ClinVar's aggregate classification.
Comment: Observed in at least one individual with breast cancer (PMID: 19996028); Frameshift variant predicted to result in protein truncation or nonsense mediated decay in a gene for which loss of function is a known mechanism of disease; Not observed at significant frequency in large population cohorts (gnomAD); Truncating variants in this gene are considered pathogenic by a well-established clinical consortium and/or database; Also known as 9637_9640delACTT; This variant is associated with the following publications: (PMID: 30787465, 19996028)

Labcorp Genetics (formerly Invitae), Labcorp
Classification: Pathogenic for Hereditary breast ovarian cancer syndrome. Last evaluated: 2022-10-21. Review status: criteria provided, single submitter. Criteria: Invitae Variant Classification Sherloc (09022015). Collection method: clinical testing. Allele origin: germline. Not counted in ClinVar's aggregate classification.
Comment: For these reasons, this variant has been classified as Pathogenic. ClinVar contains an entry for this variant (Variation ID: 231532). This variant is also known as 9637del4. This premature translational stop signal has been observed in individual(s) with breast cancer (PMID: 19996028). This variant is not present in population databases (gnomAD no frequency). This sequence change creates a premature translational stop signal (p.Thr3137Tyrfs*25) in the BRCA2 gene. It is expected to result in an absent or disrupted protein product. Loss-of-function variants in BRCA2 are known to be pathogenic (PMID: 20104584).

Blueprint Genetics
Classification: Pathogenic for BRCA2-related disorders. Last evaluated: 2022-03-15. Review status: criteria provided, single submitter. Criteria: ACMG Guidelines, 2015. Collection method: clinical testing. Allele origin: germline. Affected: yes. Observed: 1 variant allele. Not counted in ClinVar's aggregate classification.

Ambry Genetics
Classification: Pathogenic for Hereditary cancer-predisposing syndrome. Last evaluated: 2019-11-07. Review status: criteria provided, single submitter. Criteria: Ambry Variant Classification Scheme 2023. Collection method: clinical testing. Allele origin: germline. Not counted in ClinVar's aggregate classification.
Comment: The c.9409_9412delACTT pathogenic mutation, located in coding exon 24 of the BRCA2 gene, results from a deletion of 4 nucleotides at nucleotide positions 9409 to 9412, causing a translational frameshift with a predicted alternate stop codon (p.T3137Yfs*25). This alteration was identified in a large, worldwide study of BRCA1/2 mutation positive families (Rebbeck TR et al. Hum. Mutat., 2018 05;39:593-620). In addition to the clinical data presented in the literature, this alteration is expected to result in loss of function by premature protein truncation or nonsense-mediated mRNA decay. As such, this alteration is interpreted as a disease-causing mutation.

Consortium of Investigators of Modifiers of BRCA1/2 (CIMBA), c/o University of Cambridge
Classification: Pathogenic for Breast-ovarian cancer, familial, susceptibility to, 2. Last evaluated: 2015-10-02. Review status: criteria provided, single submitter. Criteria: CIMBA Mutation Classification guidelines May 2016. Collection method: clinical testing. Allele origin: germline. Not counted in ClinVar's aggregate classification.

Literature cited by the submitters: PubMed 19996028 (cited by 3 submitters); PubMed 20104584 (cited by Labcorp Genetics (formerly Invitae), Labcorp); PubMed 29446198 (cited by Ambry Genetics).

NM_000059.4(BRCA2):c.9409_9412del (p.Thr3137fs)

Gene: BRCA2 (BRCA2 DNA repair associated; plus strand). Cytogenetic location: 13q13.1.
Variant type: Deletion.
Coding change: c.9409_9412del on transcript NM_000059.4 (MANE Select); coding-DNA positions 9409 to 9412, 4 bases deleted (ACTT; older notation c.9409_9412delACTT).
Protein change: p.Thr3137fs; shifts the reading frame from threonine 3137.
Molecular consequence: frameshift variant.
Genome position (GRCh38, 1-based): chr13:32,394,841-32,394,844, ACTT deleted; deleting any 4 consecutive bases within chr13:32,394,838-32,394,844 gives the same sequence; the c. name uses the placement nearest the transcript's 3' end. VCF-style (leftmost placement, unchanged base first): chr13-32394837-TCTTA-T. GRCh37 (hg19) VCF-style: chr13-32968974-TCTTA-T.
Other names: 9637delACT; c.9409_9412delACTT (NM_000059.3).
Identifiers: ClinVar variation 231532 (VCV000231532.23), dbSNP rs876659211, ClinGen allele CA10579831.